The following is an entry in ClinVar:

ClinVar aggregate classification (germline): Uncertain significance (1 of 4 stars; one submission).

Conditions:
Inborn genetic diseases. Identifiers: MedGen C0950123, MeSH D030342.

Submission:

Ambry Genetics
Classification: Uncertain significance for Inborn genetic diseases. Last evaluated: 2026-06-08. Review status: criteria provided, single submitter. Criteria: Ambry Variant Classification Scheme 2023. Collection method: clinical testing. Allele origin: germline.
Comment: The p.N634I variant (also known as c.1901A>T), located in coding exon 11 of the FANCM gene, results from an A to T substitution at nucleotide position 1901. The asparagine at codon 634 is replaced by isoleucine, an amino acid with dissimilar properties. This amino acid position is conserved. In addition, this alteration is predicted to be tolerated by in silico analysis. Based on the available evidence, the clinical significance of this variant remains unclear.

NM_020937.4(FANCM):c.1901A>T (p.Asn634Ile)

Gene: FANCM (FA complementation group M; plus strand). Cytogenetic location: 14q21.2.
Variant type: single nucleotide variant.
Coding change: c.1901A>T on transcript NM_020937.4 (MANE Select); coding-DNA position 1901, A replaced by T.
Protein change: p.Asn634Ile; replaces asparagine 634 with isoleucine.
Molecular consequence: missense variant.
Genome position (GRCh38, 1-based): chr14:45,167,062, A>T. VCF-style: chr14-45167062-A-T. GRCh37 (hg19) VCF-style: chr14-45636265-A-T.
Other names: c.1823A>T, p.Asn608Ile (NM_001308133.2); c.1901A>T, p.Asn634Ile (NM_001308134.2); short protein forms N608I, N634I.
Identifiers: ClinVar variation 4871181 (VCV004871181.1).
Genomic context (GRCh38, chr14:45,167,062, plus strand): 5'-GTAACAGGCAGGTCCTTCATTTTTACCAAAGAAGTCCACGAATGGTTCCTGATGGAATCA[A>T]CCCAAAATTACACAAAATGTTCATCACACATGGTGTCTATGAACCAGAGAAGCCTTCTCG-3'
Protein context (NP_065988.1, residues 624-644): RSPRMVPDGI[Asn634Ile]PKLHKMFITH